The following is an entry in ClinVar:

NM_001129.5(AEBP1):c.1067G>A (p.Trp356Ter)

Gene: AEBP1 (AE binding protein 1; plus strand). Cytogenetic location: 7p13.
Variant type: single nucleotide variant.
Coding change: c.1067G>A on transcript NM_001129.5 (MANE Select); coding-DNA position 1067, G replaced by A.
Protein change: p.Trp356Ter; replaces tryptophan 356 with a stop codon.
Molecular consequence: nonsense.
Genome position (GRCh38, 1-based): chr7:44,109,155, G>A. VCF-style: chr7-44109155-G-A. GRCh37 (hg19) VCF-style: chr7-44148754-G-A.
Other names: short protein forms W356*.
Identifiers: ClinVar variation 1030177 (VCV001030177.1), dbSNP rs2096226168, ClinGen allele CA367360806.

ClinVar aggregate classification (germline): Pathogenic (1 of 4 stars; one submission).

Conditions:
Ehlers-Danlos syndrome, classic-like, 2. Identifiers: Orphanet 536532, MedGen C4693870, MONDO:0054813, OMIM 618000.

Submission:

Baylor Genetics
Classification: Pathogenic for Ehlers-Danlos syndrome, classic-like, 2. Last evaluated: 2019-11-05. Review status: criteria provided, single submitter. Criteria: ACMG Guidelines, 2015. Collection method: clinical testing. Allele origin: unknown. Affected: yes.
Comment: This variant was determined to be pathogenic according to ACMG Guidelines, 2015 [PMID:25741868].